The following is an entry in ClinVar:

NM_030930.4(UNC93B1):c.67C>T (p.Leu23Phe)

Gene: UNC93B1 (unc-93B1 regulator of TLR signaling; minus strand). Cytogenetic location: 11q13.2.
Variant type: single nucleotide variant.
Coding change: c.67C>T on transcript NM_030930.4 (MANE Select); coding-DNA position 67, C replaced by T.
Protein change: p.Leu23Phe; replaces leucine 23 with phenylalanine.
Molecular consequence: missense variant.
Genome position (GRCh38, 1-based): chr11:68,003,977, G>A on the plus strand (C>T on the coding strand, the complement: UNC93B1 is on the minus strand). VCF-style: chr11-68003977-G-A. GRCh37 (hg19) VCF-style: chr11-67771447-G-A.
Other names: short protein forms L23F.
Identifiers: ClinVar variation 2416193 (VCV002416193.5), dbSNP rs2495500766, ClinGen allele CA381579975.

ClinVar aggregate classification (germline): Uncertain significance (1 of 4 stars; one submission).

Conditions:
Encephalopathy, acute, infection-induced (herpes-specific), susceptibility to, 1. Also called: Herpes simplex encephalitis, susceptibility to, 1. Identifiers: Orphanet 1930, MedGen C2750180, MONDO:0024563, OMIM 610551.

Submission:

Labcorp Genetics (formerly Invitae), Labcorp
Classification: Uncertain significance for Encephalopathy, acute, infection-induced (herpes-specific), susceptibility to, 1. Last evaluated: 2021-12-13. Review status: criteria provided, single submitter. Criteria: Invitae Variant Classification Sherloc (09022015). Collection method: clinical testing. Allele origin: germline.
Comment: This variant is not present in population databases (gnomAD no frequency). This variant has not been reported in the literature in individuals affected with UNC93B1-related conditions. This sequence change replaces leucine, which is neutral and non-polar, with phenylalanine, which is neutral and non-polar, at codon 23 of the UNC93B1 protein (p.Leu23Phe). Experimental studies and prediction algorithms are not available or were not evaluated, and the functional significance of this variant is currently unknown. In summary, the available evidence is currently insufficient to determine the role of this variant in disease. Therefore, it has been classified as a Variant of Uncertain Significance.